The following is an entry in ClinVar:

ClinVar aggregate classification (germline): Likely benign. Review status: criteria provided, multiple submitters, no conflicts (2 of 4 stars). 3 submissions from 3 submitters: Likely benign (3). Last evaluated 2024-10-15.

Conditions:
PRKDC-related disorder. Also called: PRKDC-related condition.
Severe combined immunodeficiency due to DNA-PKcs deficiency. Also called: IMMUNODEFICIENCY 26 WITH NEUROLOGIC ABNORMALITIES; Immunodeficiency 26 with or without neurologic abnormalities. Identifiers: Orphanet 317425, MedGen C4014833, MONDO:0014423, OMIM 615966.

Submissions (3):

Labcorp Genetics (formerly Invitae), Labcorp
Classification: Likely benign for Severe combined immunodeficiency due to DNA-PKcs deficiency. Last evaluated: 2024-10-15. Review status: criteria provided, single submitter. Criteria: Invitae Variant Classification Sherloc (09022015). Collection method: clinical testing. Allele origin: germline.

Ambry Genetics
Classification: Likely benign. Last evaluated: 2022-02-27. Review status: criteria provided, single submitter. Criteria: Ambry Variant Classification Scheme 2023. Collection method: clinical testing. Allele origin: germline.

PreventionGenetics, part of Exact Sciences
Classification: Likely benign for PRKDC-related condition. Last evaluated: 2020-08-10. Review status: criteria provided, single submitter. Criteria: ACMG Guidelines, 2015. Collection method: clinical testing. Allele origin: germline.
Comment: This variant is classified as likely benign based on ACMG/AMP sequence variant interpretation guidelines (Richards et al. 2015 PMID: 25741868, with internal and published modifications).

NM_006904.7(PRKDC):c.8325C>T (p.Tyr2775=)

Gene: PRKDC (protein kinase, DNA-activated, catalytic subunit; minus strand). Cytogenetic location: 8q11.21.
Variant type: single nucleotide variant.
Coding change: c.8325C>T on transcript NM_006904.7 (MANE Select); coding-DNA position 8325, C replaced by T.
Protein change: p.Tyr2775=; no amino-acid change (tyrosine 2775 retained).
Molecular consequence: synonymous variant.
Genome position (GRCh38, 1-based): chr8:47,830,677, G>A on the plus strand (C>T on the coding strand, the complement: PRKDC is on the minus strand). VCF-style: chr8-47830677-G-A. GRCh37 (hg19) VCF-style: chr8-48743238-G-A.
Other names: c.8325C>T, p.Tyr2775= (NM_001081640.2).
Identifiers: ClinVar variation 1089256 (VCV001089256.10), dbSNP rs2154499402, ClinGen allele CA460603137.